The following is an entry in ClinVar:

ClinVar aggregate classification (germline): Uncertain significance (1 of 4 stars; one submission).

Conditions:
Autosomal dominant nocturnal frontal lobe epilepsy 5. Also called: KCNT1-Related Epilepsy; CILIARY DYSKINESIA, PRIMARY, 28, WITHOUT SITUS INVERSUS; CILIARY DYSKINESIA, PRIMARY, 28, WITH SITUS INVERSUS; Epilepsy, nocturnal frontal lobe, 5. Identifiers: Orphanet 98784, MedGen C3554306, MONDO:0014002, OMIM 615005.
Developmental and epileptic encephalopathy, 14 (DEE14). Also called: Early infantile epileptic encephalopathy 14. Identifiers: Orphanet 293181, MedGen C3554195, MONDO:0013989, OMIM 614959.

gnomAD v4.1: 1 of 1,612,896 alleles (0.000062%); highest among the groups gnomAD compares: African/African-American, 0.0013%; no homozygotes.

Submission:

Labcorp Genetics (formerly Invitae), Labcorp
Classification: Uncertain significance for Autosomal dominant nocturnal frontal lobe epilepsy 5; Developmental and epileptic encephalopathy, 14. Last evaluated: 2024-05-23. Review status: criteria provided, single submitter. Criteria: Invitae Variant Classification Sherloc (09022015). Collection method: clinical testing. Allele origin: germline.
Comment: This sequence change replaces serine, which is neutral and polar, with cysteine, which is neutral and slightly polar, at codon 1032 of the KCNT1 protein (p.Ser1032Cys). This variant is not present in population databases (gnomAD no frequency). This variant has not been reported in the literature in individuals affected with KCNT1-related conditions. Advanced modeling of protein sequence and biophysical properties (such as structural, functional, and spatial information, amino acid conservation, physicochemical variation, residue mobility, and thermodynamic stability) performed at Invitae indicates that this missense variant is not expected to disrupt KCNT1 protein function with a negative predictive value of 80%. In summary, the available evidence is currently insufficient to determine the role of this variant in disease. Therefore, it has been classified as a Variant of Uncertain Significance.

NM_020822.3(KCNT1):c.3095C>G (p.Ser1032Cys)

Gene: KCNT1 (potassium sodium-activated channel subfamily T member 1; plus strand). Cytogenetic location: 9q34.3.
Variant type: single nucleotide variant.
Coding change: c.3095C>G on transcript NM_020822.3 (MANE Select); coding-DNA position 3095, C replaced by G.
Protein change: p.Ser1032Cys; replaces serine 1032 with cysteine.
Molecular consequence: missense variant.
Genome position (GRCh38, 1-based): chr9:135,784,828, C>G. VCF-style: chr9-135784828-C-G. GRCh37 (hg19) VCF-style: chr9-138676674-C-G.
Other names: c.2960C>G, p.Ser987Cys (NM_001272003.2); short protein forms S1032C, S987C.
Identifiers: ClinVar variation 3760500 (VCV003760500.2).